The following is an entry in ClinVar:

ClinVar aggregate classification (germline): Likely benign. Review status: criteria provided, single submitter (1 of 4 stars). 2 submissions from 2 submitters: Likely benign (1). 1 of the submissions does not count toward it. Last evaluated 2023-03-23.

Conditions:
Familial cancer of breast. Also called: BREAST CANCER, FAMILIAL; Hereditary breast cancer; hereditary breast carcinoma. Identifiers: Orphanet 227535, MedGen C0346153, MONDO:0016419, OMIM 114480. Disease mechanism: loss of function.
Hereditary cancer-predisposing syndrome. Also called: Neoplastic Syndromes, Hereditary; Tumor predisposition; Hereditary Cancer Syndrome; Hereditary neoplastic syndrome. Identifiers: Orphanet 140162, MedGen C0027672, MeSH D009386, MONDO:0015356.

Submissions (2):

University of Washington Department of Laboratory Medicine, University of Washington
Classification: Likely benign for Hereditary cancer-predisposing syndrome. Last evaluated: 2023-03-23. Review status: criteria provided, single submitter. Criteria: Dines et al. (Genet Med. 2020). Collection method: curation. Allele origin: germline.
Comment: Missense variant in a coldspot region where missense variants are very unlikely to be pathogenic (PMID:31911673).

BRCA1 coldspot (exon 11 using historical exon numbering). Reclassification based on statistical prior probability

ClinVar Staff, National Center for Biotechnology Information (NCBI)
No classification provided. Condition: Familial cancer of breast. Review status: no classification provided. Collection method: literature only. Allele origin: germline. Affected: yes. Not counted in ClinVar's aggregate classification.

Literature cited by the submitters: PubMed 9609997 (cited by ClinVar Staff, National Center for Biotechnology Information (NCBI)).

NM_007294.4(BRCA1):c.2879G>A (p.Gly960Asp)

Gene: BRCA1 (BRCA1 DNA repair associated; minus strand). Cytogenetic location: 17q21.31.
Variant type: single nucleotide variant.
Coding change: c.2879G>A on transcript NM_007294.4 (MANE Select); coding-DNA position 2879, G replaced by A.
Protein change: p.Gly960Asp; replaces glycine 960 with aspartic acid.
Molecular consequence: missense variant. On other transcripts: intron variant (137).
Genome position (GRCh38, 1-based): chr17:43,092,652, C>T on the plus strand (G>A on the coding strand, the complement: BRCA1 is on the minus strand). VCF-style: chr17-43092652-C-T. GRCh37 (hg19) VCF-style: chr17-41244669-C-T.
Other names: c.2666G>A, p.Gly889Asp (NM_001407571.1, NM_001407853.1, NM_001407894.1 and 9 more transcripts); c.2879G>A, p.Gly960Asp (NM_001407581.1, NM_001407582.1, NM_001407583.1 and 30 more transcripts); c.2876G>A, p.Gly959Asp (NM_001407587.1, NM_001407590.1, NM_001407591.1 and 22 more transcripts); c.2870G>A, p.Gly957Asp (NM_001407646.1, NM_001407647.1); c.2756G>A, p.Gly919Asp (NM_001407648.1, NM_001407664.1, NM_001407665.1 and 19 more transcripts); c.2753G>A, p.Gly918Asp (NM_001407649.1, NM_001407670.1, NM_001407671.1 and 11 more transcripts); c.2801G>A, p.Gly934Asp (NM_001407653.1, NM_001407654.1, NM_001407655.1 and 4 more transcripts); c.2798G>A, p.Gly933Asp (NM_001407659.1, NM_001407660.1, NM_001407661.1 and 1 more transcripts); and 41 more; short protein forms G960D, G913D, G792D, G892D, G933D, G957D, G833D, G871D.
Identifiers: ClinVar variation 54708 (VCV000054708.4), dbSNP rs397509022, ClinGen allele CA001878.